The following is an entry in ClinVar:

NM_005732.4(RAD50):c.1007C>T (p.Ser336Phe)

Gene: RAD50 (RAD50 double strand break repair protein; plus strand). Cytogenetic location: 5q31.1.
Variant type: single nucleotide variant.
Coding change: c.1007C>T on transcript NM_005732.4 (MANE Select); coding-DNA position 1007, C replaced by T.
Protein change: p.Ser336Phe; replaces serine 336 with phenylalanine.
Molecular consequence: missense variant.
Genome position (GRCh38, 1-based): chr5:132,588,045, C>T. VCF-style: chr5-132588045-C-T. GRCh37 (hg19) VCF-style: chr5-131923737-C-T.
Other names: short protein forms S336F.
Identifiers: ClinVar variation 408359 (VCV000408359.17), dbSNP rs771068208, ClinGen allele CA3405073.

ClinVar aggregate classification (germline): Uncertain significance. Review status: criteria provided, multiple submitters, no conflicts (2 of 4 stars). 3 submissions from 3 submitters: Uncertain significance (3). Last evaluated 2025-07-25.

Conditions:
Hereditary cancer-predisposing syndrome. Also called: Hereditary Cancer Syndrome; Hereditary neoplastic syndrome; Neoplastic Syndromes, Hereditary; Tumor predisposition. Identifiers: Orphanet 140162, MedGen C0027672, MeSH D009386, MONDO:0015356.

Allele frequency attached by ClinVar (database versions not stated): gnomAD exomes below 0.00001; TOPMed below 0.00001; ExAC 0.00001; gnomAD 0.00001.
gnomAD v4.1: 3 of 1,612,458 alleles (0.00019%); highest among the groups gnomAD compares: African/African-American, 0.0027%; no homozygotes.

Submissions (3):

Quest Diagnostics Nichols Institute San Juan Capistrano
Classification: Uncertain significance. Last evaluated: 2025-07-25. Review status: criteria provided, single submitter. Criteria: Quest Diagnostics criteria. Collection method: clinical testing. Allele origin: unknown.
Comment: The RAD50 c.1007C>T (p.Ser336Phe) variant has not been reported in individuals with RAD50-related conditions in the published literature. The frequency of this variant in the general population (Genome Aggregation Database) is uninformative in the assessment of its pathogenicity. Analysis of this variant using bioinformatics tools for the prediction of the effect of amino acid changes on protein structure and function yielded predictions that this variant is benign. Based on the available information, we are unable to determine the clinical significance of this variant.

Ambry Genetics
Classification: Uncertain significance for Hereditary cancer-predisposing syndrome. Last evaluated: 2024-08-21. Review status: criteria provided, single submitter. Criteria: Ambry Variant Classification Scheme 2023. Collection method: clinical testing. Allele origin: germline.
Comment: The p.S336F variant (also known as c.1007C>T), located in coding exon 7 of the RAD50 gene, results from a C to T substitution at nucleotide position 1007. The serine at codon 336 is replaced by phenylalanine, an amino acid with highly dissimilar properties. This amino acid position is not well conserved in available vertebrate species. In addition, this alteration is predicted to be tolerated by in silico analysis. Since supporting evidence is limited at this time, the clinical significance of this alteration remains unclear.

Labcorp Genetics (formerly Invitae), Labcorp
Classification: Uncertain significance for Hereditary cancer-predisposing syndrome. Last evaluated: 2023-01-03. Review status: criteria provided, single submitter. Criteria: Invitae Variant Classification Sherloc (09022015). Collection method: clinical testing. Allele origin: germline.
Comment: This sequence change replaces serine, which is neutral and polar, with phenylalanine, which is neutral and non-polar, at codon 336 of the RAD50 protein (p.Ser336Phe). This variant is present in population databases (rs771068208, gnomAD 0.003%). In summary, the available evidence is currently insufficient to determine the role of this variant in disease. Therefore, it has been classified as a Variant of Uncertain Significance. Advanced modeling of protein sequence and biophysical properties (such as structural, functional, and spatial information, amino acid conservation, physicochemical variation, residue mobility, and thermodynamic stability) performed at Invitae indicates that this missense variant is not expected to disrupt RAD50 protein function. ClinVar contains an entry for this variant (Variation ID: 408359). This variant has not been reported in the literature in individuals affected with RAD50-related conditions.